The following is an entry in ClinVar:

ClinVar aggregate classification (germline): Uncertain significance. Review status: criteria provided, multiple submitters, no conflicts (2 of 4 stars). 3 submissions from 3 submitters: Uncertain significance (3). Last evaluated 2024-10-25.

Conditions:
Inborn genetic diseases. Identifiers: MedGen C0950123, MeSH D030342.

Allele frequency attached by ClinVar (database versions not stated): ExAC 0.00001; gnomAD 0.00001; gnomAD exomes 0.00001; TOPMed 0.00001.
gnomAD v4.1: 17 of 1,612,822 alleles (0.0011%); highest among the groups gnomAD compares: South Asian, 0.012%; no homozygotes.

Submissions (3):

Blueprint Genetics
Classification: Uncertain significance. Last evaluated: 2024-10-25. Review status: criteria provided, single submitter. Criteria: ACMG Guidelines, 2015. Collection method: clinical testing. Allele origin: germline.

Labcorp Genetics (formerly Invitae), Labcorp
Classification: Uncertain significance. Last evaluated: 2022-11-15. Review status: criteria provided, single submitter. Criteria: Invitae Variant Classification Sherloc (09022015). Collection method: clinical testing. Allele origin: germline.
Comment: Algorithms developed to predict the effect of missense changes on protein structure and function are either unavailable or do not agree on the potential impact of this missense change (SIFT: "Tolerated"; PolyPhen-2: "Probably Damaging"; Align-GVGD: "Class C0"). In summary, the available evidence is currently insufficient to determine the role of this variant in disease. Therefore, it has been classified as a Variant of Uncertain Significance. This variant has not been reported in the literature in individuals affected with GPR179-related conditions. This variant is present in population databases (rs771909578, gnomAD 0.003%). This sequence change replaces threonine, which is neutral and polar, with asparagine, which is neutral and polar, at codon 528 of the GPR179 protein (p.Thr528Asn).

Ambry Genetics
Classification: Uncertain significance for Inborn genetic diseases. Last evaluated: 2022-06-13. Review status: criteria provided, single submitter. Criteria: Ambry Variant Classification Scheme 2023. Collection method: clinical testing. Allele origin: germline.

NM_001004334.4(GPR179):c.1583C>A (p.Thr528Asn)

Gene: GPR179 (G protein-coupled receptor 179; minus strand). Cytogenetic location: 17q12.
Variant type: single nucleotide variant.
Coding change: c.1583C>A on transcript NM_001004334.4 (MANE Select); coding-DNA position 1583, C replaced by A.
Protein change: p.Thr528Asn; replaces threonine 528 with asparagine.
Molecular consequence: missense variant.
Genome position (GRCh38, 1-based): chr17:38,335,095, G>T on the plus strand (C>A on the coding strand, the complement: GPR179 is on the minus strand). VCF-style: chr17-38335095-G-T. GRCh37 (hg19) VCF-style: chr17-36490978-G-T.
Other names: short protein forms T528N.
Identifiers: ClinVar variation 1918731 (VCV001918731.7), dbSNP rs771909578, ClinGen allele CA290108633.